The following is an entry in ClinVar:

ClinVar aggregate classification (germline): Uncertain significance (1 of 4 stars; one submission).

Submission:

CeGaT Center for Human Genetics Tuebingen
Classification: Uncertain significance. Last evaluated: 2023-01-01. Review status: criteria provided, single submitter. Criteria: CeGaT Center For Human Genetics Tuebingen Variant Classification Criteria Version 2. Collection method: clinical testing. Allele origin: germline. Affected: yes. Observed: 1 variant allele.
Comment: TEX11: PM2, BP4

NM_031276.3(TEX11):c.327G>A (p.Met109Ile)

Gene: TEX11 (testis expressed 11; minus strand). Cytogenetic location: Xq13.1.
Variant type: single nucleotide variant.
Coding change: c.327G>A on transcript NM_031276.3 (MANE Select); coding-DNA position 327, G replaced by A.
Protein change: p.Met109Ile; replaces methionine 109 with isoleucine.
Molecular consequence: missense variant.
Genome position (GRCh38, 1-based): chrX:70,853,326, C>T on the plus strand (G>A on the coding strand, the complement: TEX11 is on the minus strand). VCF-style: chrX-70853326-C-T. GRCh37 (hg19) VCF-style: chrX-70073176-C-T.
Other names: c.372G>A, p.Met124Ile (NM_001003811.2); short protein forms M109I, M124I.
Identifiers: ClinVar variation 2660832 (VCV002660832.24), dbSNP rs2521200388, ClinGen allele CA413608198.
Genomic context (GRCh38, chrX:70,853,326, plus strand): 5'-ACATTCATCAGCGATTAGAAAATTTCCAGCATCCAACCATTCTTTTCCTATTCTCATATT[C>T]ATCTAGAAGAGAGAAATTAGAAAATAATTTTTAAAAATTCATACCTCCCCCAAATTGGTG-3'
Protein context (NP_112566.2, residues 99-119): SEQSIQRLIM[Met109Ile]NMRIGKEWLD